The following is an entry in ClinVar:

NM_000059.4(BRCA2):c.249G>C (p.Glu83Asp)

Gene: BRCA2 (BRCA2 DNA repair associated; plus strand). Cytogenetic location: 13q13.1.
Variant type: single nucleotide variant.
Coding change: c.249G>C on transcript NM_000059.4 (MANE Select); coding-DNA position 249, G replaced by C.
Protein change: p.Glu83Asp; replaces glutamic acid 83 with aspartic acid.
Molecular consequence: missense variant.
Genome position (GRCh38, 1-based): chr13:32,319,258, G>C. VCF-style: chr13-32319258-G-C. GRCh37 (hg19) VCF-style: chr13-32893395-G-C.
Other names: short protein forms E83D.
Identifiers: ClinVar variation 619634 (VCV000619634.12), dbSNP rs1442324599, ClinGen allele CA387754541.

ClinVar aggregate classification (germline): Conflicting classifications of pathogenicity. Review status: criteria provided, conflicting classifications (1 of 4 stars). 4 submissions from 4 submitters: Uncertain significance (3); Likely benign (1). Last evaluated 2024-03-12.

Conditions:
Hereditary breast ovarian cancer syndrome. Also called: Hereditary breast and ovarian cancer; Hereditary breast and ovarian cancer syndrome (HBOC); Breast and ovarian cancer; BRCA1- and BRCA2-Associated Hereditary Breast and Ovarian Cancer; Hereditary breast and/or ovarian cancer syndrome; Hereditary breast and ovarian cancer syndrome. Identifiers: Orphanet 145, MedGen C0677776, MeSH D061325, MONDO:0003582. Disease mechanism: loss of function.
Hereditary cancer-predisposing syndrome. Also called: Neoplastic Syndromes, Hereditary; Hereditary neoplastic syndrome; Tumor predisposition; Hereditary Cancer Syndrome. Identifiers: Orphanet 140162, MedGen C0027672, MeSH D009386, MONDO:0015356.

Submissions (4):

Ambry Genetics
Classification: Likely benign for Hereditary cancer-predisposing syndrome. Last evaluated: 2024-03-12. Review status: criteria provided, single submitter. Criteria: Ambry Variant Classification Scheme 2023. Collection method: clinical testing. Allele origin: germline.

Labcorp Genetics (formerly Invitae), Labcorp
Classification: Uncertain significance for Hereditary breast ovarian cancer syndrome. Last evaluated: 2021-04-17. Review status: criteria provided, single submitter. Criteria: Invitae Variant Classification Sherloc (09022015). Collection method: clinical testing. Allele origin: germline.
Comment: Advanced modeling of protein sequence and biophysical properties (such as structural, functional, and spatial information, amino acid conservation, physicochemical variation, residue mobility, and thermodynamic stability) performed at Invitae indicates that this missense variant is not expected to disrupt BRCA2 protein function. In summary, the available evidence is currently insufficient to determine the role of this variant in disease. Therefore, it has been classified as a Variant of Uncertain Significance. This variant has not been reported in the literature in individuals with BRCA2-related conditions. ClinVar contains an entry for this variant (Variation ID: 619634). This variant is not present in population databases (ExAC no frequency). This sequence change replaces glutamic acid with aspartic acid at codon 83 of the BRCA2 protein (p.Glu83Asp). The glutamic acid residue is moderately conserved and there is a small physicochemical difference between glutamic acid and aspartic acid.

Women's Health and Genetics/Laboratory Corporation of America, LabCorp
Classification: Uncertain significance. Last evaluated: 2019-05-16. Review status: criteria provided, single submitter. Criteria: LabCorp Variant Classification Summary - May 2015. Collection method: clinical testing. Allele origin: germline.
Comment: Variant summary: BRCA2 c.249G>C (p.Glu83Asp) results in a conservative amino acid change in the encoded protein sequence. Five of five in-silico tools predict a benign effect of the variant on protein function. The variant was absent in 251326 control chromosomes. The available data on variant occurrences in the general population are insufficient to allow any conclusion about variant significance. To our knowledge, no occurrence of c.249G>C in individuals affected with Hereditary Breast and Ovarian Cancer and no experimental evidence demonstrating its impact on protein function have been reported. One clinical diagnostic laboratory has submitted clinical-significance assessments for this variant to ClinVar after 2014 without evidence for independent evaluation. One laboratory classified the variant as uncertain significance. Based on the evidence outlined above, the variant was classified as uncertain significance.

Quest Diagnostics Nichols Institute San Juan Capistrano
Classification: Uncertain significance. Last evaluated: 2018-06-23. Review status: criteria provided, single submitter. Criteria: Quest Diagnostics criteria. Collection method: clinical testing. Allele origin: germline.